The following is an entry in ClinVar:

NM_002878.4(RAD51D):c.263+1483G>C

Genes: RAD51D (RAD51 paralog D; minus strand), RAD51L3-RFFL (RAD51L3-RFFL readthrough; minus strand). Cytogenetic location: 17q12.
Variant type: single nucleotide variant.
Coding change: c.263+1483G>C on transcript NM_002878.4 (MANE Select); 1483 bases into the intron after coding-DNA position 263, G replaced by C.
Molecular consequence: intron variant. On other transcripts: missense variant (1).
Genome position (GRCh38, 1-based): chr17:35,117,018, C>G on the plus strand (G>C on the coding strand, the complement: RAD51D is on the minus strand). VCF-style: chr17-35117018-C-G. GRCh37 (hg19) VCF-style: chr17-33444037-C-G.
Other names: c.164G>C, p.Ser55Thr (NM_001142571.2); c.144+2093G>C (NM_133629.3); short protein forms S55T.
Identifiers: ClinVar variation 5027828 (VCV005027828.1).

ClinVar aggregate classification (germline): Uncertain significance (1 of 4 stars; one submission).

Conditions:
Hereditary cancer-predisposing syndrome. Also called: Neoplastic Syndromes, Hereditary; Tumor predisposition; Hereditary neoplastic syndrome; Hereditary Cancer Syndrome. Identifiers: Orphanet 140162, MedGen C0027672, MeSH D009386, MONDO:0015356.

Submission:

Ambry Genetics
Classification: Uncertain significance for Hereditary cancer-predisposing syndrome. Last evaluated: 2026-07-06. Review status: criteria provided, single submitter. Criteria: Ambry Variant Classification Scheme 2023. Collection method: clinical testing. Allele origin: germline.
Comment: The p.S55T variant (also known as c.164G>C), located in coding exon 3 of the RAD51D gene, results from a G to C substitution at nucleotide position 164. The serine at codon 55 is replaced by threonine, an amino acid with similar properties. This amino acid position is conserved. In addition, this alteration is predicted to be tolerated by in silico analysis. Based on the available evidence, the clinical significance of this variant remains unclear.